The following is an entry in ClinVar:

ClinVar aggregate classification (germline): Uncertain significance (1 of 4 stars; one submission).

gnomAD v4.1: 5 of 1,614,082 alleles (0.00031%); highest among the groups gnomAD compares: Admixed American, 0.0017%; no homozygotes.

Submission:

Labcorp Genetics (formerly Invitae), Labcorp
Classification: Uncertain significance. Last evaluated: 2024-02-14. Review status: criteria provided, single submitter. Criteria: Invitae Variant Classification Sherloc (09022015). Collection method: clinical testing. Allele origin: germline.
Comment: This sequence change replaces valine, which is neutral and non-polar, with glycine, which is neutral and non-polar, at codon 100 of the SLC10A2 protein (p.Val100Gly). This variant is present in population databases (rs138949597, gnomAD 0.002%). This variant has not been reported in the literature in individuals affected with SLC10A2-related conditions. Advanced modeling of protein sequence and biophysical properties (such as structural, functional, and spatial information, amino acid conservation, physicochemical variation, residue mobility, and thermodynamic stability) performed at Invitae indicates that this missense variant is expected to disrupt SLC10A2 protein function with a positive predictive value of 80%. In summary, the available evidence is currently insufficient to determine the role of this variant in disease. Therefore, it has been classified as a Variant of Uncertain Significance.

NM_000452.3(SLC10A2):c.299T>G (p.Val100Gly)

Gene: SLC10A2 (solute carrier family 10 member 2; minus strand). Cytogenetic location: 13q33.1.
Variant type: single nucleotide variant.
Coding change: c.299T>G on transcript NM_000452.3 (MANE Select); coding-DNA position 299, T replaced by G.
Protein change: p.Val100Gly; replaces valine 100 with glycine.
Molecular consequence: missense variant.
Genome position (GRCh38, 1-based): chr13:103,065,951, A>C on the plus strand (T>G on the coding strand, the complement: SLC10A2 is on the minus strand). VCF-style: chr13-103065951-A-C. GRCh37 (hg19) VCF-style: chr13-103718301-A-C.
Other names: short protein forms V100G.
Identifiers: ClinVar variation 3643947 (VCV003643947.2).
Genomic context (GRCh38, chr13:103,065,951, plus strand): 5'-TCGACCCAATAGGCCAAGATATTGGAGGCAGTTCCTCCAGGGCAGCATCCTATAATGAGC[A>C]CCACTACGGCCTGGAGCGGGAGGATGTCAAAGGCCACCGACAGGATGAATCCTGTGAGGG-3'
Protein context (NP_000443.2, residues 90-110): FDILPLQAVV[Val100Gly]LIIGCCPGGT